The following is an entry in ClinVar:

NM_138295.5(PKD1L1):c.427del (p.Ala143fs)

Gene: PKD1L1 (polycystin 1 like 1, transient receptor potential channel interacting; minus strand). Cytogenetic location: 7p12.3.
Variant type: Deletion.
Coding change: c.427del on transcript NM_138295.5 (MANE Select); coding-DNA position 427, one base deleted (G; older notation c.427delG).
Protein change: p.Ala143fs; shifts the reading frame from alanine 143.
Molecular consequence: frameshift variant.
Genome position (GRCh38, 1-based): chr7:47,932,028, C deleted on the plus strand (G on the coding strand, the reverse complement: PKD1L1 is on the minus strand). VCF-style (leftmost placement, unchanged base first): chr7-47932027-GC-G. GRCh37 (hg19) VCF-style: chr7-47971624-GC-G.
Other names: p.(Ala143GlnfsTer44); short protein forms A143fs.
Identifiers: ClinVar variation 3342551 (VCV003342551.1).

ClinVar aggregate classification (germline): Pathogenic (1 of 4 stars; one submission).

Submission:

GeneDx
Classification: Pathogenic. Last evaluated: 2023-06-07. Review status: criteria provided, single submitter. Criteria: GeneDx Variant Classification Process June 2021. Collection method: clinical testing. Allele origin: germline. Affected: yes.
Comment: Frameshift variant predicted to result in protein truncation or nonsense mediated decay in a gene for which loss of function is a known mechanism of disease; Not observed at significant frequency in large population cohorts (gnomAD); Has not been previously published as pathogenic or benign to our knowledge